The following is an entry in ClinVar:

ClinVar aggregate classification (germline): Likely pathogenic (1 of 4 stars; one submission).

Conditions:
von Willebrand disease type 3 (VWD3). Also called: Type 3 Von Willebrand's disease; Type 3 VWD; Von Willebrand disease, severe form; V WD3; VON WILLEBRAND DISEASE, TYPE III. Identifiers: Orphanet 166096, MedGen C1264041, MONDO:0010191, OMIM 277480.

Submission:

Dr. Oladnabi Research Group, Golestan University of Medical Sciences
Classification: Likely pathogenic for von Willebrand disease type 3. Review status: criteria provided, single submitter. Criteria: ACMG Guidelines, 2015. Collection method: research. Allele origin: germline. Inheritance: Autosomal recessive inheritance. Affected: yes. Observed: 1 homozygote.
Comment: The novel VWF variant (c.5778dup, p.Cys1927ValfsTer3) introduces a single-nucleotide duplication that causes a frameshift, leading to a premature stop codon three residues downstream. This alteration is predicted to result in a truncated and nonfunctional von Willebrand factor protein or trigger nonsense-mediated mRNA decay, ultimately leading to loss of normal protein function. According to ACMG guidelines, the variant is classified as pathogenic, supported by PVS1 (Very Strong)—a null variant in a gene where loss of function is a well-established mechanism of disease—and PM2 (Moderate)—absence or extremely low frequency in large population databases such as gnomAD.

Literature cited by the submitters: NCBI Bookshelf NBK7014.

NM_000552.5(VWF):c.5778dup (p.Cys1927fs)

Gene: VWF (von Willebrand factor; minus strand). Cytogenetic location: 12p13.31.
Variant type: Duplication.
Coding change: c.5778dup on transcript NM_000552.5 (MANE Select); coding-DNA position 5778, one base duplicated (G; older notation c.5778dupG).
Protein change: p.Cys1927fs; shifts the reading frame from cysteine 1927.
Molecular consequence: frameshift variant.
Genome position (GRCh38, 1-based): chr12:6,011,681, C duplicated on the plus strand (G on the coding strand, the reverse complement: VWF is on the minus strand). VCF-style (leftmost placement, unchanged base first): chr12-6011680-A-AC. GRCh37 (hg19) VCF-style: chr12-6120846-A-AC.
Other names: short protein forms C1927fs.
Identifiers: ClinVar variation 4280723 (VCV004280723.1).